The following is an entry in ClinVar:

NM_001164508.2(NEB):c.18096G>A (p.Met6032Ile)

Gene: NEB (nebulin; minus strand). Cytogenetic location: 2q23.3.
Variant type: single nucleotide variant.
Coding change: c.18096G>A on transcript NM_001164508.2 (MANE Select); coding-DNA position 18096, G replaced by A.
Protein change: p.Met6032Ile; replaces methionine 6032 with isoleucine.
Molecular consequence: missense variant.
Genome position (GRCh38, 1-based): chr2:151,567,228, C>T on the plus strand (G>A on the coding strand, the complement: NEB is on the minus strand). VCF-style: chr2-151567228-C-T. GRCh37 (hg19) VCF-style: chr2-152423742-C-T.
Other names: c.18096G>A, p.Met6032Ile (NM_001164507.2, NM_001271208.2); c.12993G>A, p.Met4331Ile (NM_004543.5); short protein forms M6032I, M4331I.
Identifiers: ClinVar variation 858543 (VCV000858543.12), dbSNP rs764679933, ClinGen allele CA1908040.

ClinVar aggregate classification (germline): Uncertain significance. Review status: criteria provided, single submitter (1 of 4 stars). 2 submissions from 2 submitters: Uncertain significance (1). 1 of the submissions does not count toward it. Last evaluated 2023-10-03.

Conditions:
Nemaline myopathy 2 (NEM2). Also called: Nemaline myopathy 2, autosomal recessive. Identifiers: MedGen C1850569, MONDO:0009725, OMIM 256030.

Allele frequency attached by ClinVar (database versions not stated): gnomAD exomes below 0.00001; ExAC 0.00001.
gnomAD v4.1: 2 of 1,613,762 alleles (0.00012%); highest among the groups gnomAD compares: Non-Finnish European, 0.000085%; no homozygotes.

Submissions (2):

Labcorp Genetics (formerly Invitae), Labcorp
Classification: Uncertain significance for Nemaline myopathy 2. Last evaluated: 2023-10-03. Review status: criteria provided, single submitter. Criteria: Invitae Variant Classification Sherloc (09022015). Collection method: clinical testing. Allele origin: germline.
Comment: This sequence change replaces methionine, which is neutral and non-polar, with isoleucine, which is neutral and non-polar, at codon 6032 of the NEB protein (p.Met6032Ile). This variant is present in population databases (rs764679933, gnomAD 0.003%). This variant has not been reported in the literature in individuals affected with NEB-related conditions. ClinVar contains an entry for this variant (Variation ID: 858543). Algorithms developed to predict the effect of missense changes on protein structure and function output the following: SIFT: "Not Available"; PolyPhen-2: "Not Available"; Align-GVGD: "Not Available". The isoleucine amino acid residue is found in multiple mammalian species, which suggests that this missense change does not adversely affect protein function. In summary, the available evidence is currently insufficient to determine the role of this variant in disease. Therefore, it has been classified as a Variant of Uncertain Significance.

Natera, Inc.
Classification: Uncertain significance for Nemaline myopathy type 2. Last evaluated: 2020-12-04. Review status: no assertion criteria provided. Collection method: clinical testing. Allele origin: germline. Not counted in ClinVar's aggregate classification.